The following is an entry in ClinVar:

NM_001367721.1(CASK):c.2192T>C (p.Val731Ala)

Gene: CASK (calcium/calmodulin dependent serine protein kinase; minus strand). Cytogenetic location: Xp11.4.
Variant type: single nucleotide variant.
Coding change: c.2192T>C on transcript NM_001367721.1 (MANE Select); coding-DNA position 2192, T replaced by C.
Protein change: p.Val731Ala; replaces valine 731 with alanine.
Molecular consequence: missense variant.
Genome position (GRCh38, 1-based): chrX:41,534,937, A>G on the plus strand (T>C on the coding strand, the complement: CASK is on the minus strand). VCF-style: chrX-41534937-A-G. GRCh37 (hg19) VCF-style: chrX-41394190-A-G.
Other names: c.2108T>C, p.Val703Ala (NM_001126054.3); c.2105T>C, p.Val702Ala (NM_001126055.3); c.2174T>C, p.Val725Ala (NM_001410745.1); c.2177T>C, p.Val726Ala (NM_003688.4); short protein forms V702A, V703A, V726A, V731A, V725A.
Identifiers: ClinVar variation 1315474 (VCV001315474.7), dbSNP rs2064855229, ClinGen allele CA412991869.
Genomic context (GRCh38, chrX:41,534,937, plus strand): 5'-ACACAATCAAACTTACCTAATAAGACTAGTGTTTTCCTCTTGAATGCTGGCAGTTTTACT[A>G]CTTCTTCATATGTGACAAGATCTAATTGATCAAACACTAAAACGCAAAGATTTAGAAGAA-3'
Protein context (NP_001354650.1, residues 721-741): DQLDLVTYEE[Val731Ala]VKLPAFKRKT

ClinVar aggregate classification (germline): Uncertain significance. Review status: criteria provided, multiple submitters, no conflicts (2 of 4 stars). 2 submissions from 2 submitters: Uncertain significance (2). Last evaluated 2021-09-27.

Conditions:
Intellectual disability, CASK-related, X-linked. Identifiers: MedGen CN043158.

Allele frequency attached by ClinVar (database versions not stated): TOPMed below 0.00001.

Submissions (2):

Labcorp Genetics (formerly Invitae), Labcorp
Classification: Uncertain significance for Intellectual disability, CASK-related, X-linked. Last evaluated: 2021-09-27. Review status: criteria provided, single submitter. Criteria: Invitae Variant Classification Sherloc (09022015). Collection method: clinical testing. Allele origin: germline.
Comment: In summary, the available evidence is currently insufficient to determine the role of this variant in disease. Therefore, it has been classified as a Variant of Uncertain Significance. Algorithms developed to predict the effect of missense changes on protein structure and function (SIFT, PolyPhen-2, Align-GVGD) all suggest that this variant is likely to be disruptive. This variant has not been reported in the literature in individuals affected with CASK-related conditions. This variant is not present in population databases (ExAC no frequency). This sequence change replaces valine with alanine at codon 726 of the CASK protein (p.Val726Ala). The valine residue is highly conserved and there is a small physicochemical difference between valine and alanine.

GeneDx
Classification: Uncertain significance. Last evaluated: 2020-02-17. Review status: criteria provided, single submitter. Criteria: GeneDx Variant Classification Process June 2021. Collection method: clinical testing. Allele origin: germline. Affected: yes.
Comment: Not observed in large population cohorts (Lek et al., 2016); In silico analysis supports that this missense variant has a deleterious effect on protein structure/function; Has not been previously published as pathogenic or benign to our knowledge